The following is an entry in ClinVar:

ClinVar aggregate classification (germline): Conflicting classifications of pathogenicity. Review status: criteria provided, conflicting classifications (1 of 4 stars). 2 submissions from 2 submitters: Uncertain significance (1); Likely benign (1). Last evaluated 2026-05-14.

Conditions:
Inborn genetic diseases. Identifiers: MedGen C0950123, MeSH D030342.

Submissions (2):

Ambry Genetics
Classification: Uncertain significance for Inborn genetic diseases. Last evaluated: 2026-05-14. Review status: criteria provided, single submitter. Criteria: Ambry Variant Classification Scheme 2023. Collection method: clinical testing. Allele origin: germline.
Comment: The c.336-4C>G intronic variant results from a C to G substitution 4 nucleotides upstream from coding exon 3 in the MBD4 gene. This nucleotide position is well conserved in available vertebrate species. In silico splice site analysis for this alteration is inconclusive. Based on the available evidence, the clinical significance of this variant remains unclear.

Labcorp Genetics (formerly Invitae), Labcorp
Classification: Likely benign. Last evaluated: 2025-02-04. Review status: criteria provided, single submitter. Criteria: Invitae Variant Classification Sherloc (09022015). Collection method: clinical testing. Allele origin: germline.

NM_001276270.2(MBD4):c.336-4C>G

Gene: MBD4 (methyl-CpG binding domain 4, DNA glycosylase; minus strand). Cytogenetic location: 3q21.3.
Variant type: single nucleotide variant.
Coding change: c.336-4C>G on transcript NM_001276270.2 (MANE Select); 4 bases into the intron before coding-DNA position 336, C replaced by G.
Molecular consequence: intron variant.
Genome position (GRCh38, 1-based): chr3:129,437,312, G>C on the plus strand (C>G on the coding strand, the complement: MBD4 is on the minus strand). VCF-style: chr3-129437312-G-C. GRCh37 (hg19) VCF-style: chr3-129156155-G-C.
Other names: c.247+496C>G (NM_001276273.2); c.336-4C>G (NM_001276272.2, NM_003925.3, NM_001276271.2).
Identifiers: ClinVar variation 3676662 (VCV003676662.3).